The following is an entry in ClinVar:

NM_000257.4(MYH7):c.2959G>A (p.Glu987Lys)

Gene: MYH7 (myosin heavy chain 7; minus strand). Cytogenetic location: 14q11.2.
Variant type: single nucleotide variant.
Coding change: c.2959G>A on transcript NM_000257.4 (MANE Select); coding-DNA position 2959, G replaced by A.
Protein change: p.Glu987Lys; replaces glutamic acid 987 with lysine.
Molecular consequence: missense variant.
Genome position (GRCh38, 1-based): chr14:23,423,687, C>T on the plus strand (G>A on the coding strand, the complement: MYH7 is on the minus strand). VCF-style: chr14-23423687-C-T. GRCh37 (hg19) VCF-style: chr14-23892896-C-T.
Other names: p.E987K:GAG>AAG; c.2959G>A (LRG_384t1); short protein forms E987K.
Identifiers: ClinVar variation 181381 (VCV000181381.10), dbSNP rs730880902, ClinGen allele CA013234.

ClinVar aggregate classification (germline): Uncertain significance. Review status: criteria provided, multiple submitters, no conflicts (2 of 4 stars). 2 submissions from 2 submitters: Uncertain significance (2). Last evaluated 2024-02-12.

Conditions:
Hypertrophic cardiomyopathy. Also called: HYPERTROPHIC MYOCARDIOPATHY. Identifiers: Orphanet 217569, MedGen C0007194, MeSH D002312, MONDO:0005045, HP:0001639.

Submissions (2):

Labcorp Genetics (formerly Invitae), Labcorp
Classification: Uncertain significance for Hypertrophic cardiomyopathy. Last evaluated: 2024-02-12. Review status: criteria provided, single submitter. Criteria: Invitae Variant Classification Sherloc (09022015). Collection method: clinical testing. Allele origin: germline.
Comment: This sequence change replaces glutamic acid, which is acidic and polar, with lysine, which is basic and polar, at codon 987 of the MYH7 protein (p.Glu987Lys). This variant is not present in population databases (gnomAD no frequency). This variant has not been reported in the literature in individuals affected with MYH7-related conditions. ClinVar contains an entry for this variant (Variation ID: 181381). Advanced modeling of protein sequence and biophysical properties (such as structural, functional, and spatial information, amino acid conservation, physicochemical variation, residue mobility, and thermodynamic stability) performed at Invitae indicates that this missense variant is expected to disrupt MYH7 protein function with a positive predictive value of 95%. In summary, the available evidence is currently insufficient to determine the role of this variant in disease. Therefore, it has been classified as a Variant of Uncertain Significance.

GeneDx
Classification: Uncertain significance. Last evaluated: 2020-10-19. Review status: criteria provided, single submitter. Criteria: GeneDx Variant Classification Process June 2021. Collection method: clinical testing. Allele origin: germline. Affected: yes.
Comment: Has not been previously published as pathogenic or benign to our knowledge; Not observed in large population cohorts (Lek et al., 2016); In silico analysis supports that this missense variant has a deleterious effect on protein structure/function